The following is an entry in ClinVar:

NM_052947.4(ALPK2):c.1016A>G (p.Tyr339Cys)

Genes: ALPK2 (alpha kinase 2; minus strand), LOC114803473 (ALPK2 eExon liver enhancer; plus strand). Cytogenetic location: 18q21.31.
Variant type: single nucleotide variant.
Coding change: c.1016A>G on transcript NM_052947.4 (MANE Select); coding-DNA position 1016, A replaced by G.
Protein change: p.Tyr339Cys; replaces tyrosine 339 with cysteine.
Molecular consequence: missense variant.
Genome position (GRCh38, 1-based): chr18:58,579,760, T>C on the plus strand (A>G on the coding strand, the complement: ALPK2 is on the minus strand). VCF-style: chr18-58579760-T-C. GRCh37 (hg19) VCF-style: chr18-56246992-T-C.
Other names: short protein forms Y339C.
Identifiers: ClinVar variation 1744210 (VCV001744210.2), dbSNP rs1166480673, ClinGen allele CA402565089.

ClinVar aggregate classification (germline): Uncertain significance (1 of 4 stars; one submission).

Allele frequency attached by ClinVar (database versions not stated): gnomAD exomes below 0.00001.
gnomAD v4.1: 2 of 1,614,116 alleles (0.00012%); highest among the groups gnomAD compares: Non-Finnish European, 0.00017%; no homozygotes.

Submission:

Ambry Genetics
Classification: Uncertain significance. Last evaluated: 2024-03-14. Review status: criteria provided, single submitter. Criteria: Ambry Variant Classification Scheme 2023. Collection method: clinical testing. Allele origin: germline.
Comment: The p.Y339C variant (also known as c.1016A>G), located in coding exon 3 of the ALPK2 gene, results from an A to G substitution at nucleotide position 1016. The tyrosine at codon 339 is replaced by cysteine, an amino acid with highly dissimilar properties. This amino acid position is conserved. In addition, the in silico prediction for this alteration is inconclusive. Since supporting evidence is limited at this time, the clinical significance of this alteration remains unclear.